The following is an entry in ClinVar:

ClinVar aggregate classification (germline): Uncertain significance. Review status: criteria provided, multiple submitters, no conflicts (2 of 4 stars). 3 submissions from 3 submitters: Uncertain significance (2). 1 of the submissions does not count toward it. Last evaluated 2023-10-09.

Conditions:
Auditory neuropathy spectrum disorder. Identifiers: MedGen C2732267.

Allele frequency attached by ClinVar (database versions not stated): gnomAD 0.00005; ESP Exome Variant Server 0.00015; 1000 Genomes Project 30x 0.00016; 1000 Genomes Project 0.00020.
gnomAD v4.1: 75 of 1,614,112 alleles (0.0046%); highest among the groups gnomAD compares: Non-Finnish European, 0.0057%; no homozygotes.

Submissions (3):

Labcorp Genetics (formerly Invitae), Labcorp
Classification: Uncertain significance. Last evaluated: 2023-10-09. Review status: criteria provided, single submitter. Criteria: Invitae Variant Classification Sherloc (09022015). Collection method: clinical testing. Allele origin: germline.
Comment: This sequence change replaces arginine, which is basic and polar, with cysteine, which is neutral and slightly polar, at codon 75 of the SLC17A8 protein (p.Arg75Cys). This variant is present in population databases (rs376350311, gnomAD 0.008%). This missense change has been observed in individual(s) with hearing loss (PMID: 27068579). ClinVar contains an entry for this variant (Variation ID: 2504666). Advanced modeling of protein sequence and biophysical properties (such as structural, functional, and spatial information, amino acid conservation, physicochemical variation, residue mobility, and thermodynamic stability) performed at Invitae indicates that this missense variant is expected to disrupt SLC17A8 protein function. In summary, the available evidence is currently insufficient to determine the role of this variant in disease. Therefore, it has been classified as a Variant of Uncertain Significance.

GeneDx
Classification: Uncertain significance. Last evaluated: 2022-12-12. Review status: criteria provided, single submitter. Criteria: GeneDx Variant Classification Process June 2021. Collection method: clinical testing. Allele origin: germline. Affected: yes.
Comment: Identified in a patient with nonsyndromic hearing loss in published literature (Gonzalez-Garay et al., 2013); In silico analysis supports that this missense variant has a deleterious effect on protein structure/function; This variant is associated with the following publications: (PMID: 24082139, 27068579)

Department of Otolaryngology, Head and Neck Surgery, Beijing Friendship Hospital, Capital Medical University
Classification: Pathogenic for Auditory neuropathy spectrum disorder. Last evaluated: 2020-03-02. Review status: no assertion criteria provided. Collection method: clinical testing. Allele origin: maternal. Inheritance: Autosomal dominant inheritance. Affected: yes. Not counted in ClinVar's aggregate classification.

Literature cited by the submitters: PubMed 27068579 (cited by Labcorp Genetics (formerly Invitae), Labcorp).

NM_139319.3(SLC17A8):c.223C>T (p.Arg75Cys)

Gene: SLC17A8 (solute carrier family 17 member 8; plus strand). Cytogenetic location: 12q23.1.
Variant type: single nucleotide variant.
Coding change: c.223C>T on transcript NM_139319.3 (MANE Select); coding-DNA position 223, C replaced by T.
Protein change: p.Arg75Cys; replaces arginine 75 with cysteine.
Molecular consequence: missense variant.
Genome position (GRCh38, 1-based): chr12:100,380,822, C>T. VCF-style: chr12-100380822-C-T. GRCh37 (hg19) VCF-style: chr12-100774600-C-T.
Other names: c.223C>T, p.Arg75Cys (NM_001145288.2); short protein forms R75C.
Identifiers: ClinVar variation 2504666 (VCV002504666.6), dbSNP rs376350311, ClinGen allele CA6738701.
Genomic context (GRCh38, chr12:100,380,822, plus strand): 5'-GTGCAGACGTCCAGGCCAAGCCCCCCACTCTGCGACTGCCACTGCTGCGGCCTCCCCAAG[C>T]GTTACATCATTGCTATCATGAGTGGGCTGGGATTCTGCATTTCCTTTGGGATCCGGTGCA-3'
Protein context (NP_647480.1, residues 65-85): CDCHCCGLPK[Arg75Cys]YIIAIMSGLG